The following is an entry in ClinVar:

ClinVar aggregate classification (germline): Likely pathogenic (1 of 4 stars; one submission).

Submission:

GeneDx
Classification: Likely pathogenic. Last evaluated: 2018-03-30. Review status: criteria provided, single submitter. Criteria: GeneDx Variant Classification (06012015). Collection method: clinical testing. Allele origin: germline. Affected: yes.
Comment: The c.689_698del10 variant in the ASPA gene causes a frameshift starting with codon Aspartic acid, changes this amino acid to a Glycine residue and creates a premature Stop codon at position 31 of the new reading frame, denoted p.Asp230GlyfsX31. This pathogenic variant is predicted to cause loss of normal protein function through protein truncation.. The c.689_698del10 variant is not observed in large population cohorts (Lek et al., 2016). Although this pathogenic variant has not been previously reported to our knowledge, it is interpreted to be a likely pathogenic variant.

NM_000049.4(ASPA):c.689_698del (p.Asp230fs)

Genes: ASPA (aspartoacylase; plus strand), SPATA22 (spermatogenesis associated 22; minus strand). Cytogenetic location: 17p13.2.
Variant type: Deletion.
Coding change: c.689_698del on transcript NM_000049.4 (MANE Select); coding-DNA positions 689 to 698, 10 bases deleted (ATTACCCCCG; older notation c.689_698delATTACCCCCG).
Protein change: p.Asp230fs; shifts the reading frame from aspartic acid 230.
Molecular consequence: frameshift variant. On other transcripts: intron variant (2).
Genome position (GRCh38, 1-based): chr17:3,494,404-3,494,413, ATTACCCCCG deleted; deleting any 10 consecutive bases within chr17:3,494,403-3,494,413 gives the same sequence; the c. name uses the placement nearest the transcript's 3' end. VCF-style (leftmost placement, unchanged base first): chr17-3494402-TGATTACCCCC-T. GRCh37 (hg19) VCF-style: chr17-3397696-TGATTACCCCC-T.
Other names: c.689_698del, p.Asp230fs (NM_001128085.1); c.-74+19000_-74+19009del (NM_001321336.2, NM_001321337.2); short protein forms D230fs.
Identifiers: ClinVar variation 523964 (VCV000523964.4), dbSNP rs1555540679, ClinGen allele CA658798676.
Genomic context (GRCh38, chr17:3,494,402, plus strand): 5'-TGTCATAGGAAAAGAATTTCCTCCCTGCGCCATTGAGGTCTATAAAATTATAGAGAAAGT[TGATTACCCCC>T]GGGATGAAAATGGAGAAATTGCTGCTATCATCCATCCTAATCTGCAGGTAACATTTGTTC-3'